The following is an entry in ClinVar:

ClinVar aggregate classification (germline): Conflicting classifications of pathogenicity. Review status: criteria provided, conflicting classifications (1 of 4 stars). 5 submissions from 5 submitters: Uncertain significance (2); Likely benign (3). Last evaluated 2025-07-17.

Conditions:
Inborn genetic diseases. Identifiers: MedGen C0950123, MeSH D030342.
Cornelia de Lange syndrome 1 (CDLS1). Also called: TYPUS DEGENERATIVUS AMSTELODAMENSIS; NIPBL-Related Cornelia de Lange Syndrome; Brachmann de Lange syndrome. Identifiers: Orphanet 199, MedGen C4551851, MONDO:0007387, OMIM 122470.

Allele frequency attached by ClinVar (database versions not stated): gnomAD 0.00001; gnomAD exomes 0.00002 and 0.00003; TOPMed 0.00002.
gnomAD v4.1: 12 of 1,614,082 alleles (0.00074%); highest among the groups gnomAD compares: Admixed American, 0.017%; no homozygotes.

Submissions (5):

Women's Health and Genetics/Laboratory Corporation of America, LabCorp
Classification: Uncertain significance. Last evaluated: 2025-07-17. Review status: criteria provided, single submitter. Criteria: LabCorp Variant Classification Summary - May 2015. Collection method: clinical testing. Allele origin: germline.
Comment: Variant summary: NIPBL c.7463A>G (p.Asn2488Ser) results in a conservative amino acid change in the encoded protein sequence. Algorithms developed to predict the effect of missense changes on protein structure and function all suggest that this variant is likely to be tolerated. The variant allele was found at a frequency of 3.2e-05 in 248970 control chromosomes (gnomAD). The available data on variant occurrences in the general population are insufficient to allow any conclusion about variant significance. To our knowledge, no occurrence of c.7463A>G in individuals affected with Cornelia De Lange Syndrome 1 and no experimental evidence demonstrating its impact on protein function have been reported. ClinVar contains an entry for this variant (Variation ID: 197508). Based on the evidence outlined above, the variant was classified as uncertain significance.

Labcorp Genetics (formerly Invitae), Labcorp
Classification: Uncertain significance for Cornelia de Lange syndrome 1. Last evaluated: 2025-03-20. Review status: criteria provided, single submitter. Criteria: Invitae Variant Classification Sherloc (09022015). Collection method: clinical testing. Allele origin: germline.
Comment: This sequence change replaces asparagine, which is neutral and polar, with serine, which is neutral and polar, at codon 2488 of the NIPBL protein (p.Asn2488Ser). This variant is present in population databases (rs794727675, gnomAD 0.02%). This variant has not been reported in the literature in individuals affected with NIPBL-related conditions. ClinVar contains an entry for this variant (Variation ID: 197508). An algorithm developed to predict the effect of missense changes on protein structure and function outputs the following: PolyPhen-2: "Benign". The serine amino acid residue is found in multiple mammalian species, which suggests that this missense change does not adversely affect protein function. In summary, the available evidence is currently insufficient to determine the role of this variant in disease. Therefore, it has been classified as a Variant of Uncertain Significance.

Ambry Genetics
Classification: Likely benign for Inborn genetic diseases. Last evaluated: 2017-07-25. Review status: criteria provided, single submitter. Criteria: Ambry Variant Classification Scheme 2023. Collection method: clinical testing. Allele origin: germline.

GeneDx
Classification: Likely benign. Last evaluated: 2016-03-22. Review status: criteria provided, single submitter. Criteria: GeneDx Variant Classification (06012015). Collection method: clinical testing. Allele origin: germline. Affected: yes.
Comment: This variant is considered likely benign or benign based on one or more of the following criteria: it is a conservative change, it occurs at a poorly conserved position in the protein, it is predicted to be benign by multiple in silico algorithms, and/or has population frequency not consistent with disease.

Eurofins Ntd Llc (ga)
Classification: Likely benign. Last evaluated: 2014-07-25. Review status: criteria provided, single submitter. Criteria: EGL Classification Definitions 2015. Collection method: clinical testing. Allele origin: germline. Observed: 2 variant alleles, 2 heterozygotes.

NM_133433.4(NIPBL):c.7463A>G (p.Asn2488Ser)

Gene: NIPBL (NIPBL cohesin loading factor; plus strand). Cytogenetic location: 5p13.2.
Variant type: single nucleotide variant.
Coding change: c.7463A>G on transcript NM_133433.4 (MANE Select); coding-DNA position 7463, A replaced by G.
Protein change: p.Asn2488Ser; replaces asparagine 2488 with serine.
Molecular consequence: missense variant.
Genome position (GRCh38, 1-based): chr5:37,058,943, A>G. VCF-style: chr5-37058943-A-G. GRCh37 (hg19) VCF-style: chr5-37059045-A-G.
Other names: c.7463A>G, p.Asn2488Ser (NM_015384.5); short protein forms N2488S.
Identifiers: ClinVar variation 197508 (VCV000197508.12), dbSNP rs794727675, ClinGen allele CA202921.